The following is an entry in ClinVar:

NM_003873.7(NRP1):c.913C>T (p.Arg305Cys)

Gene: NRP1 (neuropilin 1; minus strand). Cytogenetic location: 10p11.22.
Variant type: single nucleotide variant.
Coding change: c.913C>T on transcript NM_003873.7 (MANE Select); coding-DNA position 913, C replaced by T.
Protein change: p.Arg305Cys; replaces arginine 305 with cysteine.
Molecular consequence: missense variant. On other transcripts: non-coding transcript variant (1).
Genome position (GRCh38, 1-based): chr10:33,254,096, G>A on the plus strand (C>T on the coding strand, the complement: NRP1 is on the minus strand). VCF-style: chr10-33254096-G-A. GRCh37 (hg19) VCF-style: chr10-33543024-G-A.
Other names: c.913C>T, p.Arg305Cys (NM_001024628.3, NM_001024629.3, NM_001244972.2 and 2 more transcripts); short protein forms R305C.
Identifiers: ClinVar variation 4984960 (VCV004984960.1).

ClinVar aggregate classification (germline): Uncertain significance (1 of 4 stars; one submission).

Conditions:
NRP1-related disorder. Also called: NRP1-related condition.

gnomAD v4.1: 8 of 1,613,908 alleles (0.0005%); highest among the groups gnomAD compares: Middle Eastern, 0.017%; no homozygotes.

Submission:

PreventionGenetics, part of Exact Sciences
Classification: Uncertain significance for NRP1-related condition. Last evaluated: 2026-03-14. Review status: criteria provided, single submitter. Criteria: ACMG Guidelines, 2015. Collection method: clinical testing. Allele origin: germline.
Comment: The NRP1 c.913C>T variant is predicted to result in the amino acid substitution p.Arg305Cys. To our knowledge, this variant has not been reported in the literature. This variant is reported in 0.0033% of alleles in individuals of South Asian descent in gnomAD. At this time, the clinical significance of this variant is uncertain due to the absence of conclusive functional and genetic evidence.